The following is an entry in ClinVar:

NM_006206.6(PDGFRA):c.506C>T (p.Pro169Leu)

Gene: PDGFRA (platelet derived growth factor receptor alpha; plus strand). Cytogenetic location: 4q12.
Variant type: single nucleotide variant.
Coding change: c.506C>T on transcript NM_006206.6 (MANE Select); coding-DNA position 506, C replaced by T.
Protein change: p.Pro169Leu; replaces proline 169 with leucine.
Molecular consequence: missense variant.
Genome position (GRCh38, 1-based): chr4:54,263,805, C>T. VCF-style: chr4-54263805-C-T. GRCh37 (hg19) VCF-style: chr4-55129972-C-T.
Other names: c.506C>T, p.Pro169Leu (NM_001347827.2, NM_001347829.2); c.581C>T, p.Pro194Leu (NM_001347828.2); c.545C>T, p.Pro182Leu (NM_001347830.2); short protein forms P169L, P182L, P194L.
Identifiers: ClinVar variation 2662800 (VCV002662800.2), dbSNP rs1722884769, ClinGen allele CA356889971.
Genomic context (GRCh38, chr4:54,263,805, plus strand): 5'-CTTGTCGCACAACTGATCCCGAGACTCCTGTAACCTTACACAACAGTGAGGGGGTGGTAC[C>T]TGCCTCCTACGACAGCAGACAGGGCTTTAATGGGACCTTCACTGTAGGGCCCTATATCTG-3'
Protein context (NP_006197.1, residues 159-179): VTLHNSEGVV[Pro169Leu]ASYDSRQGFN

ClinVar aggregate classification (germline): Conflicting classifications of pathogenicity. Review status: criteria provided, conflicting classifications (1 of 4 stars). 2 submissions from 2 submitters: Uncertain significance (1); Likely benign (1). Last evaluated 2025-08-14.

Conditions:
Hereditary cancer-predisposing syndrome. Also called: Tumor predisposition; Hereditary neoplastic syndrome; Neoplastic Syndromes, Hereditary; Hereditary Cancer Syndrome. Identifiers: Orphanet 140162, MedGen C0027672, MeSH D009386, MONDO:0015356.

Submissions (2):

Ambry Genetics
Classification: Likely benign for Hereditary cancer-predisposing syndrome. Last evaluated: 2025-08-14. Review status: criteria provided, single submitter. Criteria: Ambry Variant Classification Scheme 2023. Collection method: clinical testing. Allele origin: germline.

GeneDx
Classification: Uncertain significance. Last evaluated: 2023-04-12. Review status: criteria provided, single submitter. Criteria: GeneDx Variant Classification Process June 2021. Collection method: clinical testing. Allele origin: germline. Affected: yes.
Comment: Not observed at significant frequency in large population cohorts (gnomAD); In silico analysis supports that this missense variant has a deleterious effect on protein structure/function; Has not been previously published as pathogenic or benign to our knowledge